The following is an entry in ClinVar:

ClinVar aggregate classification (germline): Uncertain significance. Review status: criteria provided, multiple submitters, no conflicts (2 of 4 stars). 2 submissions from 2 submitters: Uncertain significance (2). Last evaluated 2024-06-26.

Conditions:
Inborn genetic diseases. Identifiers: MedGen C0950123, MeSH D030342.

Allele frequency attached by ClinVar (database versions not stated): gnomAD exomes below 0.00001; gnomAD 0.00001 and 0.00003; TOPMed 0.00001.
gnomAD v4.1: 9 of 1,614,068 alleles (0.00056%); highest among the groups gnomAD compares: Non-Finnish European, 0.00042%; no homozygotes.

Submissions (2):

Ambry Genetics
Classification: Uncertain significance for Inborn genetic diseases. Last evaluated: 2024-06-26. Review status: criteria provided, single submitter. Criteria: Ambry Variant Classification Scheme 2023. Collection method: clinical testing. Allele origin: germline.

Labcorp Genetics (formerly Invitae), Labcorp
Classification: Uncertain significance. Last evaluated: 2022-08-05. Review status: criteria provided, single submitter. Criteria: Invitae Variant Classification Sherloc (09022015). Collection method: clinical testing. Allele origin: germline.
Comment: This sequence change replaces asparagine, which is neutral and polar, with serine, which is neutral and polar, at codon 347 of the CCBE1 protein (p.Asn347Ser). This variant is present in population databases (no rsID available, gnomAD 0.002%). This variant has not been reported in the literature in individuals affected with CCBE1-related conditions. ClinVar contains an entry for this variant (Variation ID: 1416192). Algorithms developed to predict the effect of missense changes on protein structure and function are either unavailable or do not agree on the potential impact of this missense change (SIFT: "Deleterious"; PolyPhen-2: "Benign"; Align-GVGD: "Class C45"). Algorithms developed to predict the effect of sequence changes on RNA splicing suggest that this variant may create or strengthen a splice site. In summary, the available evidence is currently insufficient to determine the role of this variant in disease. Therefore, it has been classified as a Variant of Uncertain Significance.

NM_133459.4(CCBE1):c.1040A>G (p.Asn347Ser)

Gene: CCBE1 (collagen and calcium binding EGF domains 1; minus strand). Cytogenetic location: 18q21.32.
Variant type: single nucleotide variant.
Coding change: c.1040A>G on transcript NM_133459.4 (MANE Select); coding-DNA position 1040, A replaced by G.
Protein change: p.Asn347Ser; replaces asparagine 347 with serine.
Molecular consequence: missense variant.
Genome position (GRCh38, 1-based): chr18:59,436,089, T>C on the plus strand (A>G on the coding strand, the complement: CCBE1 is on the minus strand). VCF-style: chr18-59436089-T-C. GRCh37 (hg19) VCF-style: chr18-57103321-T-C.
Other names: c.1040A>G (NM_133459.3); short protein forms N347S.
Identifiers: ClinVar variation 1416192 (VCV001416192.4), dbSNP rs1372736370, ClinGen allele CA402594191.